The following is an entry in ClinVar:

ClinVar aggregate classification (germline): Uncertain significance (1 of 4 stars; one submission).

Conditions:
Hereditary cancer-predisposing syndrome. Also called: Tumor predisposition; Neoplastic Syndromes, Hereditary; Hereditary Cancer Syndrome; Hereditary neoplastic syndrome. Identifiers: Orphanet 140162, MedGen C0027672, MeSH D009386, MONDO:0015356.

Submission:

Ambry Genetics
Classification: Uncertain significance for Hereditary cancer-predisposing syndrome. Last evaluated: 2024-10-11. Review status: criteria provided, single submitter. Criteria: Ambry Variant Classification Scheme 2023. Collection method: clinical testing. Allele origin: germline.
Comment: The p.E86K variant (also known as c.256G>A), located in coding exon 1 of the CDKN1B gene, results from a G to A substitution at nucleotide position 256. The glutamic acid at codon 86 is replaced by lysine, an amino acid with similar properties. This amino acid position is conserved. In addition, the in silico prediction for this alteration is inconclusive. Based on the available evidence, the clinical significance of this variant remains unclear.

NM_004064.5(CDKN1B):c.256G>A (p.Glu86Lys)

Gene: CDKN1B (cyclin dependent kinase inhibitor 1B; plus strand). Cytogenetic location: 12p13.1.
Variant type: single nucleotide variant.
Coding change: c.256G>A on transcript NM_004064.5 (MANE Select); coding-DNA position 256, G replaced by A.
Protein change: p.Glu86Lys; replaces glutamic acid 86 with lysine.
Molecular consequence: missense variant.
Genome position (GRCh38, 1-based): chr12:12,718,095, G>A. VCF-style: chr12-12718095-G-A. GRCh37 (hg19) VCF-style: chr12-12871029-G-A.
Other names: short protein forms E86K.
Identifiers: ClinVar variation 3489615 (VCV003489615.1).